The following is an entry in ClinVar:

NM_001376.5(DYNC1H1):c.7286C>G (p.Ser2429Cys)

Gene: DYNC1H1 (dynein cytoplasmic 1 heavy chain 1; plus strand). Cytogenetic location: 14q32.31.
Variant type: single nucleotide variant.
Coding change: c.7286C>G on transcript NM_001376.5 (MANE Select); coding-DNA position 7286, C replaced by G.
Protein change: p.Ser2429Cys; replaces serine 2429 with cysteine.
Molecular consequence: missense variant.
Genome position (GRCh38, 1-based): chr14:102,015,899, C>G. VCF-style: chr14-102015899-C-G. GRCh37 (hg19) VCF-style: chr14-102482236-C-G.
Other names: c.7286C>G (NM_001376.4); short protein forms S2429C.
Identifiers: ClinVar variation 1443454 (VCV001443454.8), dbSNP rs1468721324, ClinGen allele CA391001799.

ClinVar aggregate classification (germline): Conflicting classifications of pathogenicity. Review status: criteria provided, conflicting classifications (1 of 4 stars). 2 submissions from 2 submitters: Uncertain significance (1); Likely benign (1). Last evaluated 2023-06-16.

Conditions:
Charcot-Marie-Tooth disease axonal type 2O. Also called: CHARCOT-MARIE-TOOTH NEUROPATHY, AXONAL, TYPE 2O; CHARCOT-MARIE-TOOTH DISEASE, AXONAL, AUTOSOMAL DOMINANT, TYPE 2O; Charcot-Marie-Tooth Neuropathy Type 2O; Charcot-Marie-Tooth disease, axonal, type 20. Identifiers: Orphanet 284232, MedGen C3280220, MONDO:0013644, OMIM 614228.

Allele frequency attached by ClinVar (database versions not stated): gnomAD exomes below 0.00001.
gnomAD v4.1: 2 of 1,614,242 alleles (0.00012%); highest among the groups gnomAD compares: Admixed American, 0.0033%; no homozygotes.

Submissions (2):

Labcorp Genetics (formerly Invitae), Labcorp
Classification: Likely benign for Charcot-Marie-Tooth disease axonal type 2O. Last evaluated: 2023-06-16. Review status: criteria provided, single submitter. Criteria: Invitae Variant Classification Sherloc (09022015). Collection method: clinical testing. Allele origin: germline.

GeneDx
Classification: Uncertain significance. Last evaluated: 2022-09-16. Review status: criteria provided, single submitter. Criteria: GeneDx Variant Classification Process June 2021. Collection method: clinical testing. Allele origin: germline. Affected: yes.
Comment: In silico analysis supports that this missense variant has a deleterious effect on protein structure/function; Has not been previously published as pathogenic or benign to our knowledge; This variant is associated with the following publications: (PMID: 26100331, 25609763, 25512093)